The following is an entry in ClinVar:

NM_001080.3(ALDH5A1):c.118G>C (p.Gly40Arg)

Genes: ALDH5A1 (aldehyde dehydrogenase 5 family member A1; plus strand), GPLD1 (glycosylphosphatidylinositol specific phospholipase D1; minus strand), LOC129995978 (ATAC-STARR-seq lymphoblastoid silent region 16989; plus strand). Cytogenetic location: 6p22.3.
Variant type: single nucleotide variant.
Coding change: c.118G>C on transcript NM_001080.3 (MANE Select); coding-DNA position 118, G replaced by C.
Protein change: p.Gly40Arg; replaces glycine 40 with arginine.
Molecular consequence: missense variant.
Genome position (GRCh38, 1-based): chr6:24,495,114, G>C. VCF-style: chr6-24495114-G-C. GRCh37 (hg19) VCF-style: chr6-24495342-G-C.
Other names: c.118G>C, p.Gly40Arg (NM_001368954.1, NM_170740.1); short protein forms G40R.
Identifiers: ClinVar variation 665260 (VCV000665260.4), dbSNP rs1326202301, ClinGen allele CA362968259.
Genomic context (GRCh38, chr6:24,495,114, plus strand): 5'-CCAGGCTGCCGCCTCCGCCCCCGCGCCGGCGGCCTGGTCCCTGCCTCCGGGCCTGCGCCC[G>C]GCCCGGCCCAGCTCCGCTGCTACGCTGGGCGCCTGGCGGGCCTCTCTGCGGCGCTGCTGC-3'
Protein context (NP_001071.1, residues 30-50): GLVPASGPAP[Gly40Arg]PAQLRCYAGR

ClinVar aggregate classification (germline): Uncertain significance (1 of 4 stars; one submission).

Conditions:
Succinate-semialdehyde dehydrogenase deficiency (SSADHD). Also called: Succinic Semialdehyde Dehydrogenase Deficiency; SSADH DEFICIENCY; 4-HYDROXYBUTYRIC ACIDURIA; GABA METABOLIC DEFECT. Identifiers: Orphanet 22, MedGen C0268631, MONDO:0010083, OMIM 271980.

Allele frequency attached by ClinVar (database versions not stated): gnomAD 0.00001; TOPMed 0.00003.

Submission:

Labcorp Genetics (formerly Invitae), Labcorp
Classification: Uncertain significance for Succinate-semialdehyde dehydrogenase deficiency. Last evaluated: 2022-07-06. Review status: criteria provided, single submitter. Criteria: Invitae Variant Classification Sherloc (09022015). Collection method: clinical testing. Allele origin: germline.
Comment: This sequence change replaces glycine, which is neutral and non-polar, with arginine, which is basic and polar, at codon 40 of the ALDH5A1 protein (p.Gly40Arg). This variant is not present in population databases (gnomAD no frequency). This variant has not been reported in the literature in individuals affected with ALDH5A1-related conditions. ClinVar contains an entry for this variant (Variation ID: 665260). Advanced modeling of protein sequence and biophysical properties (such as structural, functional, and spatial information, amino acid conservation, physicochemical variation, residue mobility, and thermodynamic stability) performed at Invitae indicates that this missense variant is not expected to disrupt ALDH5A1 protein function. In summary, the available evidence is currently insufficient to determine the role of this variant in disease. Therefore, it has been classified as a Variant of Uncertain Significance.